The following is an entry in ClinVar:

NM_020975.6(RET):c.2211A>C (p.Lys737Asn)

Gene: RET (ret proto-oncogene; plus strand). Cytogenetic location: 10q11.21.
Variant type: single nucleotide variant.
Coding change: c.2211A>C on transcript NM_020975.6 (MANE Select); coding-DNA position 2211, A replaced by C.
Protein change: p.Lys737Asn; replaces lysine 737 with asparagine.
Molecular consequence: missense variant.
Genome position (GRCh38, 1-based): chr10:43,116,658, A>C. VCF-style: chr10-43116658-A-C. GRCh37 (hg19) VCF-style: chr10-43612106-A-C.
Other names: c.1314A>C, p.Lys438Asn (NM_001406780.1, NM_001406781.1, NM_001406782.1 and 1 more transcripts); c.1185A>C, p.Lys395Asn (NM_001406783.1, NM_001406786.1); c.1221A>C, p.Lys407Asn (NM_001406784.1); c.1194A>C, p.Lys398Asn (NM_001406785.1); c.1179A>C, p.Lys393Asn (NM_001406787.1); c.1026A>C, p.Lys342Asn (NM_001406788.1, NM_001406789.1, NM_001406790.1); c.2211A>C, p.Lys737Asn (NM_000323.2, NM_001406743.1, NM_001406744.1 and 4 more transcripts); c.1449A>C, p.Lys483Asn (NM_001355216.2); and 10 more; short protein forms K302N, K495N, K562N, K605N, K393N, K395N, K407N, K692N.
Identifiers: ClinVar variation 2962957 (VCV002962957.3), dbSNP rs2132906145, ClinGen allele CA376554524.

ClinVar aggregate classification (germline): Uncertain significance (1 of 4 stars; one submission).

Conditions:
Multiple endocrine neoplasia, type 2 (MEN2). Identifiers: Orphanet 653, MedGen C4048306, MONDO:0019003. Disease mechanism: gain of function.

Submission:

Labcorp Genetics (formerly Invitae), Labcorp
Classification: Uncertain significance for Multiple endocrine neoplasia, type 2. Last evaluated: 2023-07-29. Review status: criteria provided, single submitter. Criteria: Invitae Variant Classification Sherloc (09022015). Collection method: clinical testing. Allele origin: germline.
Comment: This variant has not been reported in the literature in individuals affected with RET-related conditions. In summary, the available evidence is currently insufficient to determine the role of this variant in disease. Therefore, it has been classified as a Variant of Uncertain Significance. An algorithm developed to predict the effect of missense changes on protein structure and function (PolyPhen-2) suggests that this variant is likely to be disruptive. This variant is not present in population databases (gnomAD no frequency). This sequence change replaces lysine, which is basic and polar, with asparagine, which is neutral and polar, at codon 737 of the RET protein (p.Lys737Asn).